The following is an entry in ClinVar:

NM_000282.4(PCCA):c.270dup (p.Ala91fs)

Gene: PCCA (propionyl-CoA carboxylase subunit alpha; plus strand). Cytogenetic location: 13q32.3.
Variant type: Duplication.
Coding change: c.270dup on transcript NM_000282.4 (MANE Select); coding-DNA position 270, one base duplicated (T; older notation c.270dupT).
Protein change: p.Ala91fs; shifts the reading frame from alanine 91.
Molecular consequence: frameshift variant. On other transcripts: 5 prime UTR variant (3), non-coding transcript variant (5).
Genome position (GRCh38, 1-based): chr13:100,112,031, T duplicated; the last of 2 consecutive T bases (chr13:100,112,030-100,112,031); duplicating either gives the same sequence. VCF-style (leftmost placement, unchanged base first): chr13-100112029-G-GT. GRCh37 (hg19) VCF-style: chr13-100764283-G-GT.
Other names: c.192dup, p.Ala65fs (NM_001127692.3, NM_001352607.2, NM_001352608.2); c.270dup, p.Ala91fs (NM_001178004.2, NM_001352605.2, NM_001352606.2 and 1 more transcripts); c.-597dup (NM_001352610.2, NM_001352611.2, NM_001352612.2); short protein forms A65fs, A91fs.
Identifiers: ClinVar variation 2701003 (VCV002701003.3), dbSNP rs2542288810, ClinGen allele CA2623555520.

ClinVar aggregate classification (germline): Pathogenic (1 of 4 stars; one submission).

Conditions:
Propionic acidemia (PROP). Also called: GLYCINEMIA, KETOTIC; HYPERGLYCINEMIA WITH KETOACIDOSIS AND LEUKOPENIA; KETOTIC HYPERGLYCINEMIA. Identifiers: Orphanet 35, MedGen C0268579, MONDO:0011628, OMIM 606054, HP:0003571.

Submission:

Labcorp Genetics (formerly Invitae), Labcorp
Classification: Pathogenic for Propionic acidemia. Last evaluated: 2023-12-05. Review status: criteria provided, single submitter. Criteria: Invitae Variant Classification Sherloc (09022015). Collection method: clinical testing. Allele origin: germline.
Comment: This sequence change creates a premature translational stop signal (p.Ala91Cysfs*5) in the PCCA gene. It is expected to result in an absent or disrupted protein product. Loss-of-function variants in PCCA are known to be pathogenic (PMID: 15464417). This variant is not present in population databases (gnomAD no frequency). This variant has not been reported in the literature in individuals affected with PCCA-related conditions. For these reasons, this variant has been classified as Pathogenic.

Literature cited by the submitters: PubMed 15464417.